The following is an entry in ClinVar:

NM_001849.4(COL6A2):c.2422+3G>A

Gene: COL6A2 (collagen type VI alpha 2 chain; plus strand). Cytogenetic location: 21q22.3.
Variant type: single nucleotide variant.
Coding change: c.2422+3G>A on transcript NM_001849.4 (MANE Select); 3 bases into the intron after coding-DNA position 2422, G replaced by A.
Molecular consequence: intron variant.
Genome position (GRCh38, 1-based): chr21:46,126,240, G>A. VCF-style: chr21-46126240-G-A. GRCh37 (hg19) VCF-style: chr21-47546154-G-A.
Other names: c.2422+3G>A (NM_058175.3, NM_058174.3).
Identifiers: ClinVar variation 3038550 (VCV003038550.2), dbSNP rs921776993, ClinGen allele CA321972913.

ClinVar aggregate classification (germline): Likely benign (0 of 4 stars; one submission).

Conditions:
COL6A2-related disorder.

Allele frequency attached by ClinVar (database versions not stated): TOPMed 0.00001; gnomAD exomes 0.00002.
gnomAD v4.1: 29 of 1,597,396 alleles (0.0018%); highest among the groups gnomAD compares: Non-Finnish European, 0.0022%; no homozygotes.

Submission:

PreventionGenetics, part of Exact Sciences
Classification: Likely benign for COL6A2-related condition. Last evaluated: 2019-05-23. Review status: no assertion criteria provided. Collection method: clinical testing. Allele origin: germline.
Comment: This variant is classified as likely benign based on ACMG/AMP sequence variant interpretation guidelines (Richards et al. 2015 PMID: 25741868, with internal and published modifications).